The following is an entry in ClinVar:

NM_005445.4(SMC3):c.600A>G (p.Leu200=)

Gene: SMC3 (structural maintenance of chromosomes 3; plus strand). Cytogenetic location: 10q25.2.
Variant type: single nucleotide variant.
Coding change: c.600A>G on transcript NM_005445.4 (MANE Select); coding-DNA position 600, A replaced by G.
Protein change: p.Leu200=; no amino-acid change (leucine 200 retained).
Molecular consequence: synonymous variant.
Genome position (GRCh38, 1-based): chr10:110,581,975, A>G. VCF-style: chr10-110581975-A-G. GRCh37 (hg19) VCF-style: chr10-112341733-A-G.
Identifiers: ClinVar variation 5039955 (VCV005039955.1).
Genomic context (GRCh38, chr10:110,581,975, plus strand): 5'-CTTTTAAGAGGGCAAACGGGAAAAAATCAATGAGTTGTTAAAATACATTGAAGAGAGATT[A>G]CATACTCTAGAGGAAGAAAAGGAAGAACTAGCTCAGTATCAGAAGTGGGATAAAATGAGA-3'
Protein context (NP_005436.1, residues 190-210): NELLKYIEER[Leu200=]HTLEEEKEEL

ClinVar aggregate classification (germline): Likely benign (1 of 4 stars; one submission).

gnomAD v4.1: 1 of 1,613,446 alleles (0.000062%); highest among the groups gnomAD compares: East Asian, 0.0022%; no homozygotes.

Submission:

CeGaT Center for Human Genetics Tuebingen
Classification: Likely benign. Last evaluated: 2026-06-01. Review status: criteria provided, single submitter. Criteria: CeGaT Center For Human Genetics Tuebingen Variant Classification Criteria Version 2. Collection method: clinical testing. Allele origin: germline. Affected: yes. Observed: 1 variant allele.
Comment: SMC3: BP4, BP7